The following is an entry in ClinVar:

NM_152383.5(DIS3L2):c.836A>G (p.Tyr279Cys)

Gene: DIS3L2 (DIS3 like 3'-5' exoribonuclease 2; plus strand). Cytogenetic location: 2q37.1.
Variant type: single nucleotide variant.
Coding change: c.836A>G on transcript NM_152383.5 (MANE Select); coding-DNA position 836, A replaced by G.
Protein change: p.Tyr279Cys; replaces tyrosine 279 with cysteine.
Molecular consequence: missense variant. On other transcripts: non-coding transcript variant (1).
Genome position (GRCh38, 1-based): chr2:232,136,605, A>G. VCF-style: chr2-232136605-A-G. GRCh37 (hg19) VCF-style: chr2-233001315-A-G.
Other names: c.836A>G, p.Tyr279Cys (NM_001257281.2); short protein forms Y279C.
Identifiers: ClinVar variation 2979915 (VCV002979915.3), dbSNP rs766319323, ClinGen allele CA2163957.

ClinVar aggregate classification (germline): Uncertain significance (1 of 4 stars; one submission).

Conditions:
Perlman syndrome (PRLMNS). Identifiers: Orphanet 2849, MedGen C0796113, MONDO:0009965, OMIM 267000.

Allele frequency attached by ClinVar (database versions not stated): ExAC 0.00001.

Submission:

Labcorp Genetics (formerly Invitae), Labcorp
Classification: Uncertain significance for Perlman syndrome. Last evaluated: 2023-07-30. Review status: criteria provided, single submitter. Criteria: Invitae Variant Classification Sherloc (09022015). Collection method: clinical testing. Allele origin: germline.
Comment: This sequence change replaces tyrosine, which is neutral and polar, with cysteine, which is neutral and slightly polar, at codon 279 of the DIS3L2 protein (p.Tyr279Cys). This variant is not present in population databases (gnomAD no frequency). This variant has not been reported in the literature in individuals affected with DIS3L2-related conditions. Advanced modeling of protein sequence and biophysical properties (such as structural, functional, and spatial information, amino acid conservation, physicochemical variation, residue mobility, and thermodynamic stability) performed at Invitae indicates that this missense variant is not expected to disrupt DIS3L2 protein function. In summary, the available evidence is currently insufficient to determine the role of this variant in disease. Therefore, it has been classified as a Variant of Uncertain Significance.